The following is an entry in ClinVar:

ClinVar aggregate classification (germline): Uncertain significance (1 of 4 stars; one submission).

Conditions:
Primary open angle glaucoma (POAG). Also called: OPTN-related open angle glaucoma. Identifiers: MedGen C0339573, MONDO:0100553, OMIM 137760.
Glaucoma 1, open angle, E. Identifiers: MedGen C1842026, MONDO:0007665.
Amyotrophic lateral sclerosis type 12 (ALS12). Also called: AMYOTROPHIC LATERAL SCLEROSIS 12 WITH OR WITHOUT FRONTOTEMPORAL DEMENTIA. Identifiers: Orphanet 803, MedGen C3150692, MONDO:0013264, OMIM 613435.

Allele frequency attached by ClinVar (database versions not stated): gnomAD exomes below 0.00001 and 0.00001.
gnomAD v4.1: 3 of 1,614,086 alleles (0.00019%); highest among the groups gnomAD compares: Admixed American, 0.005%; no homozygotes.

Submission:

Labcorp Genetics (formerly Invitae), Labcorp
Classification: Uncertain significance for Primary open angle glaucoma; Glaucoma 1, open angle, E; Amyotrophic lateral sclerosis type 12. Last evaluated: 2021-01-03. Review status: criteria provided, single submitter. Criteria: Invitae Variant Classification Sherloc (09022015). Collection method: clinical testing. Allele origin: germline.
Comment: In summary, the available evidence is currently insufficient to determine the role of this variant in disease. Therefore, it has been classified as a Variant of Uncertain Significance. Algorithms developed to predict the effect of missense changes on protein structure and function (SIFT, PolyPhen-2, Align-GVGD) all suggest that this variant is likely to be tolerated, but these predictions have not been confirmed by published functional studies and their clinical significance is uncertain. This variant has not been reported in the literature in individuals with OPTN-related conditions. This variant is not present in population databases (ExAC no frequency). This sequence change replaces alanine with serine at codon 336 of the OPTN protein (p.Ala336Ser). The alanine residue is moderately conserved and there is a moderate physicochemical difference between alanine and serine.

NM_001008212.2(OPTN):c.1006G>T (p.Ala336Ser)

Gene: OPTN (optineurin; plus strand). Cytogenetic location: 10p13.
Variant type: single nucleotide variant.
Coding change: c.1006G>T on transcript NM_001008212.2 (MANE Select); coding-DNA position 1006, G replaced by T.
Protein change: p.Ala336Ser; replaces alanine 336 with serine.
Molecular consequence: missense variant.
Genome position (GRCh38, 1-based): chr10:13,125,425, G>T. VCF-style: chr10-13125425-G-T. GRCh37 (hg19) VCF-style: chr10-13167425-G-T.
Other names: c.1006G>T, p.Ala336Ser (NM_001008211.1, NM_001008213.1, NM_021980.4); short protein forms A336S.
Identifiers: ClinVar variation 1401869 (VCV001401869.8), dbSNP rs1248850820, ClinGen allele CA376029206.